The following is an entry in ClinVar:

ClinVar aggregate classification (germline): Uncertain significance (1 of 4 stars; one submission).

gnomAD v4.1: 1 of 1,613,592 alleles (0.000062%); highest among the groups gnomAD compares: Non-Finnish European, 0.000085%; no homozygotes.

Submission:

Ambry Genetics
Classification: Uncertain significance. Last evaluated: 2024-05-30. Review status: criteria provided, single submitter. Criteria: Ambry Variant Classification Scheme 2023. Collection method: clinical testing. Allele origin: germline.
Comment: The p.I744V variant (also known as c.2230A>G), located in coding exon 13 of the NPAT gene, results from an A to G substitution at nucleotide position 2230. The isoleucine at codon 744 is replaced by valine, an amino acid with highly similar properties. This amino acid position is conserved. In addition, this alteration is predicted to be tolerated by in silico analysis. Based on the available evidence, the clinical significance of this variant remains unclear.

NM_002519.3(NPAT):c.2230A>G (p.Ile744Val)

Gene: NPAT (nuclear protein, coactivator of histone transcription; minus strand). Cytogenetic location: 11q22.3.
Variant type: single nucleotide variant.
Coding change: c.2230A>G on transcript NM_002519.3 (MANE Select); coding-DNA position 2230, A replaced by G.
Protein change: p.Ile744Val; replaces isoleucine 744 with valine.
Molecular consequence: missense variant.
Genome position (GRCh38, 1-based): chr11:108,172,754, T>C on the plus strand (A>G on the coding strand, the complement: NPAT is on the minus strand). VCF-style: chr11-108172754-T-C. GRCh37 (hg19) VCF-style: chr11-108043481-T-C.
Other names: c.2230A>G, p.Ile744Val (NM_001321307.1); short protein forms I744V.
Identifiers: ClinVar variation 3300600 (VCV003300600.1).